The following is an entry in ClinVar:

ClinVar aggregate classification (germline): Likely pathogenic (1 of 4 stars; one submission).

Allele frequency attached by ClinVar (database versions not stated): TOPMed below 0.00001; gnomAD 0.00001.
gnomAD v4.1: 2 of 1,612,060 alleles (0.00012%); highest among the groups gnomAD compares: African/African-American, 0.0027%; no homozygotes.

Submission:

GeneDx
Classification: Likely pathogenic. Last evaluated: 2017-05-03. Review status: criteria provided, single submitter. Criteria: GeneDx Variant Classification (06012015). Collection method: clinical testing. Allele origin: germline. Affected: yes.
Comment: The I196T variant in the CEP120 gene has not been reported previously as a pathogenic variant, nor as a benign variant, to our knowledge. The I196T variant is not observed in large population cohorts (Lek et al., 2016; 1000 Genomes Consortium et al., 2015; Exome Variant Server). The I196T variant is a non-conservative amino acid substitution, which is likely to impact secondary protein structure as these residues differ in polarity, charge, size and/or other properties. This substitution occurs at a position where amino acids with similar properties to Isoleucine are tolerated across species. In silico analysis predicts this variant is probably damaging to the protein structure/function. We interpret I196T as a likely pathogenic variant.

NM_001375405.1(CEP120):c.587T>C (p.Ile196Thr)

Gene: CEP120 (centrosomal protein 120; minus strand). Cytogenetic location: 5q23.2.
Variant type: single nucleotide variant.
Coding change: c.587T>C on transcript NM_001375405.1 (MANE Select); coding-DNA position 587, T replaced by C.
Protein change: p.Ile196Thr; replaces isoleucine 196 with threonine.
Molecular consequence: missense variant. On other transcripts: non-coding transcript variant (1).
Genome position (GRCh38, 1-based): chr5:123,399,161, A>G on the plus strand (T>C on the coding strand, the complement: CEP120 is on the minus strand). VCF-style: chr5-123399161-A-G. GRCh37 (hg19) VCF-style: chr5-122734855-A-G.
Other names: c.509T>C, p.Ile170Thr (NM_001166226.2); c.587T>C, p.Ile196Thr (NM_001375406.1, NM_001375407.1, NM_153223.4); c.14T>C, p.Ile5Thr (NM_001375408.1, NM_001375409.1); short protein forms I196T, I170T, I5T.
Identifiers: ClinVar variation 429253 (VCV000429253.2), dbSNP rs1131691279, ClinGen allele CA360893320.